The following is an entry in ClinVar:

ClinVar aggregate classification (germline): Uncertain significance (1 of 4 stars; one submission).

Submission:

Dasa
Classification: Uncertain significance. Last evaluated: 2025-12-29. Review status: criteria provided, single submitter. Criteria: DASA Assertion Criteria. Collection method: clinical testing. Allele origin: germline.
Comment: NM_001197104.2(KMT2A):c.4787A>G (p.His1596Arg) is a missense variant that results in the substitution of histidine with arginine. This variant is rare in population databases. Computational prediction algorithms are consistent with a deleterious effect. The currently available literature and clinical evidence are not sufficient to establish a definitive association between this variant and the reported condition. Therefore, this variant is classified as a variant of uncertain significance.

NM_001197104.2(KMT2A):c.4787A>G (p.His1596Arg)

Gene: KMT2A (lysine methyltransferase 2A; plus strand). Cytogenetic location: 11q23.3.
Variant type: single nucleotide variant.
Coding change: c.4787A>G on transcript NM_001197104.2 (MANE Select); coding-DNA position 4787, A replaced by G.
Protein change: p.His1596Arg; replaces histidine 1596 with arginine.
Molecular consequence: missense variant.
Genome position (GRCh38, 1-based): chr11:118,491,286, A>G. VCF-style: chr11-118491286-A-G. GRCh37 (hg19) VCF-style: chr11-118362001-A-G.
Other names: c.4886A>G, p.His1629Arg (NM_001412597.1); c.4787A>G, p.His1596Arg (NM_005933.4); short protein forms H1596R, H1629R.
Identifiers: ClinVar variation 4885631 (VCV004885631.2).